The following is an entry in ClinVar:

NM_017514.5(PLXNA3):c.252C>G (p.Arg84=)

Gene: PLXNA3 (plexin A3; plus strand). Cytogenetic location: Xq28.
Variant type: single nucleotide variant.
Coding change: c.252C>G on transcript NM_017514.5 (MANE Select); coding-DNA position 252, C replaced by G.
Protein change: p.Arg84=; no amino-acid change (arginine 84 retained).
Molecular consequence: synonymous variant.
Genome position (GRCh38, 1-based): chrX:154,460,435, C>G. VCF-style: chrX-154460435-C-G. GRCh37 (hg19) VCF-style: chrX-153688775-C-G.
Other names: NC_000023.10:g.153688775C>G.
Identifiers: ClinVar variation 2634490 (VCV002634490.3), dbSNP rs146167713, ClinGen allele CA10563640.
Genomic context (GRCh38, chrX:154,460,435, plus strand): 5'-GGCCCATGTCACGGGGCCCGTCGAGGACAACGCTCGCTGCTACCCGCCCCCCAGCATGCG[C>G]GTGTGTGCCCACCGCCTGGCCCCCGTGGACAACATCAACAAGCTGCTGCTCATAGACTAT-3'
Protein context (NP_059984.3, residues 74-94): NARCYPPPSM[Arg84=]VCAHRLAPVD

ClinVar aggregate classification (germline): Likely benign (1 of 4 stars; one submission).

Conditions:
PLXNA3-related disorder. Also called: PLXNA3-related condition.

gnomAD v4.1: 17 of 1,201,527 alleles (0.0014%); highest among the groups gnomAD compares: Admixed American, 0.0022%; no homozygotes.

Submissions (2):

PreventionGenetics, part of Exact Sciences
Classification: Likely benign for PLXNA3-related condition. Last evaluated: 2025-06-20. Review status: criteria provided, single submitter. Criteria: ACMG Guidelines, 2015. Collection method: clinical testing. Allele origin: germline.
Comment: This variant is classified as likely benign based on ACMG/AMP sequence variant interpretation guidelines (Richards et al. 2015 PMID: 25741868, with internal and published modifications).

Dr. Peter K. Rogan Lab, Western University
No classification provided (evidence only). Condition: Familial cancer of breast. Review status: no classification provided. Collection method: in vitro. Allele origin: not applicable. Functional consequence: retained intron. Not counted in ClinVar's aggregate classification.